The following is an entry in ClinVar:

ClinVar aggregate classification (germline): Uncertain significance (1 of 4 stars; one submission).

Conditions:
Charcot-Marie-Tooth disease type 4A. Also called: Charcot-Marie-Tooth disease, demyelinating, autosomal recessive, type 4a. Identifiers: Orphanet 99948, MedGen C1859198, MONDO:0008961, OMIM 214400.

Submission:

Labcorp Genetics (formerly Invitae), Labcorp
Classification: Uncertain significance for Charcot-Marie-Tooth disease type 4A. Last evaluated: 2020-02-05. Review status: criteria provided, single submitter. Criteria: Invitae Variant Classification Sherloc (09022015). Collection method: clinical testing. Allele origin: germline.
Comment: In summary, the available evidence is currently insufficient to determine the role of this variant in disease. Therefore, it has been classified as a Variant of Uncertain Significance. Algorithms developed to predict the effect of missense changes on protein structure and function are either unavailable or do not agree on the potential impact of this missense change (SIFT: "Tolerated"; PolyPhen-2: "Possibly Damaging"; Align-GVGD: "Class C0"). This variant has not been reported in the literature in individuals with GDAP1-related conditions. This variant is not present in population databases (ExAC no frequency). This sequence change replaces valine with isoleucine at codon 56 of the GDAP1 protein (p.Val56Ile). The valine residue is highly conserved and there is a small physicochemical difference between valine and isoleucine.

NM_018972.4(GDAP1):c.166G>A (p.Val56Ile)

Gene: GDAP1 (ganglioside induced differentiation associated protein 1; plus strand). Cytogenetic location: 8q21.11.
Variant type: single nucleotide variant.
Coding change: c.166G>A on transcript NM_018972.4 (MANE Select); coding-DNA position 166, G replaced by A.
Protein change: p.Val56Ile; replaces valine 56 with isoleucine.
Molecular consequence: missense variant. On other transcripts: 5 prime UTR variant (1), splice donor variant (1), intron variant (1).
Genome position (GRCh38, 1-based): chr8:74,351,322, G>A. VCF-style: chr8-74351322-G-A. GRCh37 (hg19) VCF-style: chr8-75263557-G-A.
Other names: c.-39G>A (NM_001040875.4); c.166G>A, p.Val56Ile (NM_001362930.2, NM_001362931.2); c.-18+1G>A (NM_001362929.2); c.-18+744G>A (NM_001362932.2); short protein forms V56I.
Identifiers: ClinVar variation 1005685 (VCV001005685.10), dbSNP rs1808860135, ClinGen allele CA371499341.